The following is an entry in ClinVar:

NM_005045.4(RELN):c.2313G>T (p.Gln771His)

Gene: RELN (reelin; minus strand). Cytogenetic location: 7q22.1.
Variant type: single nucleotide variant.
Coding change: c.2313G>T on transcript NM_005045.4 (MANE Select); coding-DNA position 2313, G replaced by T.
Protein change: p.Gln771His; replaces glutamine 771 with histidine.
Molecular consequence: missense variant.
Genome position (GRCh38, 1-based): chr7:103,635,577, C>A on the plus strand (G>T on the coding strand, the complement: RELN is on the minus strand). VCF-style: chr7-103635577-C-A. GRCh37 (hg19) VCF-style: chr7-103276024-C-A.
Other names: c.2313G>T, p.Gln771His (NM_173054.3); short protein forms Q771H.
Identifiers: ClinVar variation 475951 (VCV000475951.13), dbSNP rs777581847, ClinGen allele CA4422015.
Genomic context (GRCh38, chr7:103,635,577, plus strand): 5'-AGGCTGATCAGGGGCTCTGCACGTGCTCAGAACAGATTTGCTCCCCAGTCTCAGTGTGAA[C>A]TGGAGAAACCTAGACAGAAATTGTCTATAATTAGTGTATGCATAAACATTTTTAATCATA-3'
Protein context (NP_005036.2, residues 761-781): FLDSSQSRFL[Gln771His]FTLRLGSKSV

ClinVar aggregate classification (germline): Conflicting classifications of pathogenicity. Review status: criteria provided, conflicting classifications (1 of 4 stars). 3 submissions from 3 submitters: Uncertain significance (2); Likely benign (1). Last evaluated 2026-01-01.

Conditions:
Norman-Roberts syndrome (LIS2). Also called: Lissencephaly 2 (Norman-Roberts type). Identifiers: Orphanet 89844, MedGen C0796089, MONDO:0009760, OMIM 257320.
Familial temporal lobe epilepsy 7. Identifiers: Orphanet 101046, MedGen C4225327, MONDO:0014639, OMIM 616436.
Inborn genetic diseases. Identifiers: MedGen C0950123, MeSH D030342.

Allele frequency attached by ClinVar (database versions not stated): gnomAD 0.00001; TOPMed 0.00003; gnomAD exomes 0.00004 and 0.00008; ExAC 0.00006.
gnomAD v4.1: 27 of 1,613,530 alleles (0.0017%); highest among the groups gnomAD compares: Admixed American, 0.045%; no homozygotes.

Submissions (3):

Labcorp Genetics (formerly Invitae), Labcorp
Classification: Likely benign for Familial temporal lobe epilepsy 7; Norman-Roberts syndrome. Last evaluated: 2026-01-01. Review status: criteria provided, single submitter. Criteria: Invitae Variant Classification Sherloc (09022015). Collection method: clinical testing. Allele origin: germline.

Ambry Genetics
Classification: Uncertain significance for Inborn genetic diseases. Last evaluated: 2025-08-12. Review status: criteria provided, single submitter. Criteria: Ambry Variant Classification Scheme 2023. Collection method: clinical testing. Allele origin: germline.

New York Genome Center
Classification: Uncertain significance for Familial temporal lobe epilepsy 7. Last evaluated: 2020-04-26. Review status: criteria provided, single submitter. Criteria: NYGC Assertion Criteria 2020. Collection method: clinical testing. Allele origin: inherited. Observed: 1 heterozygote. Study: CSER-NYCKidSeq.
Comment: The inherited p.Gln771His variant identified in the RELN gene has not been reported in affected individuals in the literature. The variant has been reported in ClinVar (Variation ID: 475951). The variant has 0.0000837 allele frequency inthe gnomAD database across all populations (21 out of 250,910 heterozygous alleles) and 0.0006077 allele frequency in Latino subpopulation represented in gnomAD (21 out of 34,556 heterozygous alleles). The variant affects an evolutionarily conserved residue and is predicted deleterious by multiple in silico prediction tools. However, functional studies are needed to evaluate the potential pathogenicity of this variant. Based on the available evidence, the p.Gln771His variant in the RELN gene is assessed as a variant of uncertain significance.